The following is an entry in ClinVar:

NM_133259.4(LRPPRC):c.2839C>A (p.Gln947Lys)

Gene: LRPPRC (leucine rich pentatricopeptide repeat containing; minus strand). Cytogenetic location: 2p21.
Variant type: single nucleotide variant.
Coding change: c.2839C>A on transcript NM_133259.4 (MANE Select); coding-DNA position 2839, C replaced by A.
Protein change: p.Gln947Lys; replaces glutamine 947 with lysine.
Molecular consequence: missense variant.
Genome position (GRCh38, 1-based): chr2:43,925,124, G>T on the plus strand (C>A on the coding strand, the complement: LRPPRC is on the minus strand). VCF-style: chr2-43925124-G-T. GRCh37 (hg19) VCF-style: chr2-44152263-G-T.
Other names: short protein forms Q947K.
Identifiers: ClinVar variation 1707281 (VCV001707281.2), dbSNP rs927634434, ClinGen allele CA346669841.

ClinVar aggregate classification (germline): Uncertain significance (1 of 4 stars; one submission).

Submission:

GeneDx
Classification: Uncertain significance. Last evaluated: 2022-03-24. Review status: criteria provided, single submitter. Criteria: GeneDx Variant Classification Process June 2021. Collection method: clinical testing. Allele origin: germline. Affected: yes.
Comment: Not observed at significant frequency in large population cohorts (gnomAD); In silico analysis supports that this missense variant does not alter protein structure/function; Has not been previously published as pathogenic or benign to our knowledge